The following is an entry in ClinVar:

ClinVar aggregate classification (germline): Uncertain significance (1 of 4 stars; one submission).

Conditions:
Fanconi anemia (FA). Also called: Fanconi's anemia. Identifiers: Orphanet 84, MedGen C0015625, MeSH D005199, MONDO:0019391.

Submission:

Labcorp Genetics (formerly Invitae), Labcorp
Classification: Uncertain significance for Fanconi anemia. Last evaluated: 2024-01-29. Review status: criteria provided, single submitter. Criteria: Invitae Variant Classification Sherloc (09022015). Collection method: clinical testing. Allele origin: germline.
Comment: This sequence change replaces glutamic acid, which is acidic and polar, with glycine, which is neutral and non-polar, at codon 209 of the FANCL protein (p.Glu209Gly). This variant is not present in population databases (gnomAD no frequency). This variant has not been reported in the literature in individuals affected with FANCL-related conditions. Advanced modeling of protein sequence and biophysical properties (such as structural, functional, and spatial information, amino acid conservation, physicochemical variation, residue mobility, and thermodynamic stability) performed at Invitae indicates that this missense variant is not expected to disrupt FANCL protein function with a negative predictive value of 80%. In summary, the available evidence is currently insufficient to determine the role of this variant in disease. Therefore, it has been classified as a Variant of Uncertain Significance.

NM_018062.4(FANCL):c.626A>G (p.Glu209Gly)

Gene: FANCL (FA complementation group L; minus strand). Cytogenetic location: 2p16.1.
Variant type: single nucleotide variant.
Coding change: c.626A>G on transcript NM_018062.4 (MANE Select); coding-DNA position 626, A replaced by G.
Protein change: p.Glu209Gly; replaces glutamic acid 209 with glycine.
Molecular consequence: missense variant.
Genome position (GRCh38, 1-based): chr2:58,165,789, T>C on the plus strand (A>G on the coding strand, the complement: FANCL is on the minus strand). VCF-style: chr2-58165789-T-C. GRCh37 (hg19) VCF-style: chr2-58392924-T-C.
Other names: c.641A>G, p.Glu214Gly (NM_001114636.2); c.671A>G, p.Glu224Gly (NM_001374615.1); c.686A>G, p.Glu229Gly (NM_001410792.1); short protein forms E209G, E224G, E229G, E214G.
Identifiers: ClinVar variation 2714146 (VCV002714146.3), dbSNP rs753922391, ClinGen allele CA346937212.